The following is an entry in ClinVar:

ClinVar aggregate classification (germline): Uncertain significance. Review status: criteria provided, multiple submitters, no conflicts (2 of 4 stars). 2 submissions from 2 submitters: Uncertain significance (2). Last evaluated 2026-01-14.

Conditions:
Frontotemporal dementia and/or amyotrophic lateral sclerosis 7 (FTDALS7). Also called: CHMP2B-related frontotemporal dementia; CHMP2B-Related Frontotemporal Dementia-Amyotrophic Lateral Sclerosis; AMYOTROPHIC LATERAL SCLEROSIS, CHMP2B-RELATED; Amyotrophic lateral sclerosis 17. Identifiers: Orphanet 275864, Orphanet 282, Orphanet 803, MedGen C1833296, MONDO:0010936, OMIM 600795.

Allele frequency attached by ClinVar (database versions not stated): ExAC 0.00001; TOPMed 0.00001; gnomAD exomes 0.00003; gnomAD 0.00006.
gnomAD v4.1: 50 of 1,613,744 alleles (0.0031%); highest among the groups gnomAD compares: Non-Finnish European, 0.0027%; no homozygotes.

Submissions (2):

Labcorp Genetics (formerly Invitae), Labcorp
Classification: Uncertain significance for Frontotemporal dementia and/or amyotrophic lateral sclerosis 7. Last evaluated: 2026-01-14. Review status: criteria provided, single submitter. Criteria: Invitae Variant Classification Sherloc (09022015). Collection method: clinical testing. Allele origin: germline.
Comment: This sequence change replaces lysine, which is basic and polar, with glutamic acid, which is acidic and polar, at codon 59 of the CHMP2B protein (p.Lys59Glu). This variant is present in population databases (rs758486323, gnomAD 0.03%), and has an allele count higher than expected for a pathogenic variant. This variant has not been reported in the literature in individuals affected with CHMP2B-related conditions. ClinVar contains an entry for this variant (Variation ID: 2096563). An algorithm developed to predict the effect of missense changes on protein structure and function (PolyPhen-2) suggests that this variant is likely to be tolerated. In summary, the available evidence is currently insufficient to determine the role of this variant in disease. Therefore, it has been classified as a Variant of Uncertain Significance.

CeGaT Center for Human Genetics Tuebingen
Classification: Uncertain significance. Last evaluated: 2022-07-01. Review status: criteria provided, single submitter. Criteria: CeGaT Center For Human Genetics Tuebingen Variant Classification Criteria Version 2. Collection method: clinical testing. Allele origin: germline. Affected: yes. Observed: 1 variant allele.

NM_014043.4(CHMP2B):c.175A>G (p.Lys59Glu)

Gene: CHMP2B (charged multivesicular body protein 2B; plus strand). Cytogenetic location: 3p11.2.
Variant type: single nucleotide variant.
Coding change: c.175A>G on transcript NM_014043.4 (MANE Select); coding-DNA position 175, A replaced by G.
Protein change: p.Lys59Glu; replaces lysine 59 with glutamic acid.
Molecular consequence: missense variant.
Genome position (GRCh38, 1-based): chr3:87,245,762, A>G. VCF-style: chr3-87245762-A-G. GRCh37 (hg19) VCF-style: chr3-87294912-A-G.
Other names: c.52A>G, p.Lys18Glu (NM_001244644.2); c.271A>G, p.Lys91Glu (NM_001410777.1); short protein forms K18E, K59E, K91E.
Identifiers: ClinVar variation 2096563 (VCV002096563.28), dbSNP rs758486323, ClinGen allele CA2500926.